The following is an entry in ClinVar:

ClinVar aggregate classification (germline): Benign (1 of 4 stars; one submission).

Conditions:
Diaphanospondylodysostosis. Also called: VERTEBRAL OSSIFICATION, DEFECT IN, WITH NEPHROGENIC RESTS. Identifiers: Orphanet 66637, MedGen C1842691, MONDO:0011946, OMIM 608022.

Allele frequency attached by ClinVar (database versions not stated): 1000 Genomes Project 0.07208; 1000 Genomes Project 30x 0.07667; gnomAD 0.07860 and 0.08312; TOPMed 0.08639.

Submission:

Illumina Laboratory Services, Illumina
Classification: Benign for Diaphanospondylodysostosis. Last evaluated: 2018-01-12. Review status: criteria provided, single submitter. Criteria: ICSL Variant Classification Criteria 13 December 2019. Collection method: clinical testing. Allele origin: germline.
Comment: This variant was observed in the ICSL laboratory as part of a predisposition screen in an ostensibly healthy population. It had not been previously curated by ICSL or reported in the Human Gene Mutation Database (HGMD: prior to June 1st, 2018), and was therefore a candidate for classification through an automated scoring system. Utilizing variant allele frequency, disease prevalence and penetrance estimates, and inheritance mode, an automated score was calculated to assess if this variant is too frequent to cause the disease. Based on the score and internal cut-off values, a variant classified as benign is not then subjected to further curation. The score for this variant resulted in a classification of benign for this disease.

NM_001365308.1(BMPER):c.*1703C>T

Gene: BMPER (BMP binding endothelial regulator; plus strand). Cytogenetic location: 7p14.3.
Variant type: single nucleotide variant.
Coding change: c.*1703C>T on transcript NM_001365308.1 (MANE Select); 1703 bases downstream of the stop codon, C replaced by T.
Molecular consequence: 3 prime UTR variant.
Genome position (GRCh38, 1-based): chr7:34,154,976, C>T. VCF-style: chr7-34154976-C-T. GRCh37 (hg19) VCF-style: chr7-34194588-C-T.
Other names: c.*1703C>T (NM_133468.5).
Identifiers: ClinVar variation 360147 (VCV000360147.5), dbSNP rs73097003, ClinGen allele CA10623942.
Genomic context (GRCh38, chr7:34,154,976, plus strand): 5'-TGCTGCCCTTGGAAAGAAGACTTTGACTTAGGTGCTTTGGGATCTAAGTGTGGTTTGTGA[C>T]TATCCCCATTATTTAAGCATTTGGGGGTCTCACTTTTGCTTATCTGTAACACAAAGAGGC-3'